The following is an entry in ClinVar:

NM_002294.3(LAMP2):c.344C>A (p.Ser115Ter)

Gene: LAMP2 (lysosomal associated membrane protein 2; minus strand). Cytogenetic location: Xq24.
Variant type: single nucleotide variant.
Coding change: c.344C>A on transcript NM_002294.3 (MANE Select); coding-DNA position 344, C replaced by A.
Protein change: p.Ser115Ter; replaces serine 115 with a stop codon.
Molecular consequence: nonsense.
Genome position (GRCh38, 1-based): chrX:120,455,410, G>T on the plus strand (C>A on the coding strand, the complement: LAMP2 is on the minus strand). VCF-style: chrX-120455410-G-T. GRCh37 (hg19) VCF-style: chrX-119589265-G-T.
Other names: c.344C>A, p.Ser115Ter (NM_001122606.1, NM_013995.2); short protein forms S115*.
Identifiers: ClinVar variation 1676381 (VCV001676381.2), dbSNP rs950725039, ClinGen allele CA414402920.

ClinVar aggregate classification (germline): Pathogenic (1 of 4 stars; one submission).

Submission:

GeneDx
Classification: Pathogenic. Last evaluated: 2022-04-05. Review status: criteria provided, single submitter. Criteria: GeneDx Variant Classification Process June 2021. Collection method: clinical testing. Allele origin: germline. Affected: yes.
Comment: Has not been previously published as pathogenic or benign to our knowledge; Not observed at significant frequency in large population cohorts (gnomAD); Nonsense variant predicted to result in protein truncation or nonsense mediated decay in a gene for which loss-of-function is a known mechanism of disease